The following is an entry in ClinVar:

NM_005609.4(PYGM):c.1723A>T (p.Lys575Ter)

Gene: PYGM (glycogen phosphorylase, muscle associated; minus strand). Cytogenetic location: 11q13.1.
Variant type: single nucleotide variant.
Coding change: c.1723A>T on transcript NM_005609.4 (MANE Select); coding-DNA position 1723, A replaced by T.
Protein change: p.Lys575Ter; replaces lysine 575 with a stop codon.
Molecular consequence: nonsense.
Genome position (GRCh38, 1-based): chr11:64,751,969, T>A on the plus strand (A>T on the coding strand, the complement: PYGM is on the minus strand). VCF-style: chr11-64751969-T-A. GRCh37 (hg19) VCF-style: chr11-64519441-T-A.
Other names: c.1459A>T, p.Lys487Ter (NM_001164716.1); short protein forms K487*, K575*.
Identifiers: ClinVar variation 5011341 (VCV005011341.1).

ClinVar aggregate classification (germline): Pathogenic (1 of 4 stars; one submission).

Conditions:
Glycogen storage disease, type V (GSD5). Also called: MCARDLE DISEASE; MUSCLE GLYCOGEN PHOSPHORYLASE DEFICIENCY; MYOPHOSPHORYLASE DEFICIENCY; PYGM DEFICIENCY; McArdle type glycogen storage disease. Identifiers: Orphanet 368, MedGen C0017924, MONDO:0009293, OMIM 232600.

Submission:

Myriad Genetics, Inc.
Classification: Pathogenic for Glycogen storage disease, type V. Last evaluated: 2023-08-14. Review status: criteria provided, single submitter. Criteria: Myriad Autosomal Dominant, Autosomal Recessive and X-Linked Classification Criteria (2023). Collection method: clinical testing. Allele origin: unknown.
Comment: NM_005609.2(PYGM):c.1723A>T(K575*) is expected to be pathogenic in the context of glycogen storage disease, PYGM-related. This variant is predicted to lead to an abnormal or absent protein product due to the creation of a premature termination codon in PYGM, a gene where loss-of-function variants are known to be pathogenic. Please note: this variant was assessed in the context of healthy population screening.